The following is an entry in ClinVar:

ClinVar aggregate classification (germline): Likely benign. Review status: criteria provided, single submitter (1 of 4 stars). 2 submissions from 2 submitters: Likely benign (1). 1 of the submissions does not count toward it. Last evaluated 2024-10-25.

Conditions:
TMTC3-related disorder. Also called: TMTC3-related condition.

Allele frequency attached by ClinVar (database versions not stated): ExAC 0.00013; gnomAD exomes 0.00014 and 0.00030; TOPMed 0.00019; gnomAD 0.00021; ESP Exome Variant Server 0.00054.
gnomAD v4.1: 475 of 1,613,884 alleles (0.029%); highest among the groups gnomAD compares: Non-Finnish European, 0.038%; 1 homozygote.

Submissions (2):

Labcorp Genetics (formerly Invitae), Labcorp
Classification: Likely benign. Last evaluated: 2024-10-25. Review status: criteria provided, single submitter. Criteria: Invitae Variant Classification Sherloc (09022015). Collection method: clinical testing. Allele origin: germline.

PreventionGenetics, part of Exact Sciences
Classification: Likely benign for TMTC3-related condition. Last evaluated: 2019-08-16. Review status: no assertion criteria provided. Collection method: clinical testing. Allele origin: germline. Not counted in ClinVar's aggregate classification.
Comment: This variant is classified as likely benign based on ACMG/AMP sequence variant interpretation guidelines (Richards et al. 2015 PMID: 25741868, with internal and published modifications).

NM_181783.4(TMTC3):c.870T>C (p.Asn290=)

Gene: TMTC3 (transmembrane O-mannosyltransferase targeting cadherins 3; plus strand). Cytogenetic location: 12q21.32.
Variant type: single nucleotide variant.
Coding change: c.870T>C on transcript NM_181783.4 (MANE Select); coding-DNA position 870, T replaced by C.
Protein change: p.Asn290=; no amino-acid change (asparagine 290 retained).
Molecular consequence: synonymous variant. On other transcripts: non-coding transcript variant (1).
Genome position (GRCh38, 1-based): chr12:88,166,402, T>C. VCF-style: chr12-88166402-T-C. GRCh37 (hg19) VCF-style: chr12-88560179-T-C.
Other names: c.870T>C (NM_181783.3); c.690T>C, p.Asn230= (NM_001366574.1); c.651T>C, p.Asn217= (NM_001366579.1); c.603T>C, p.Asn201= (NM_001366580.1); c.177T>C, p.Asn59= (NM_001366583.1).
Identifiers: ClinVar variation 1578931 (VCV001578931.10), dbSNP rs139374194, ClinGen allele CA6713160.